The following is an entry in ClinVar:

ClinVar aggregate classification (germline): Likely benign (1 of 4 stars; one submission).

Allele frequency attached by ClinVar (database versions not stated): gnomAD 0.00002.

Submission:

CeGaT Center for Human Genetics Tuebingen
Classification: Likely benign. Last evaluated: 2023-01-01. Review status: criteria provided, single submitter. Criteria: CeGaT Center For Human Genetics Tuebingen Variant Classification Criteria Version 2. Collection method: clinical testing. Allele origin: germline. Affected: yes. Observed: 1 variant allele.
Comment: H1-4: BP4, BP7

NM_005321.3(H1-4):c.339T>C (p.Ser113=)

Gene: H1-4 (H1.4 linker histone, cluster member; plus strand). Cytogenetic location: 6p22.2.
Variant type: single nucleotide variant.
Coding change: c.339T>C on transcript NM_005321.3 (MANE Select); coding-DNA position 339, T replaced by C.
Protein change: p.Ser113=; no amino-acid change (serine 113 retained).
Molecular consequence: synonymous variant.
Genome position (GRCh38, 1-based): chr6:26,156,729, T>C. VCF-style: chr6-26156729-T-C. GRCh37 (hg19) VCF-style: chr6-26156957-T-C.
Identifiers: ClinVar variation 2656303 (VCV002656303.24), dbSNP rs989298910, ClinGen allele CA136297608.
Genomic context (GRCh38, chr6:26,156,729, plus strand): 5'-GGTGCAGACCAAGGGCACCGGCGCGTCGGGTTCCTTCAAACTCAACAAGAAGGCGGCCTC[T>C]GGGGAAGCCAAGCCTAAGGCTAAAAAGGCAGGCGCGGCCAAGGCCAAGAAGCCAGCAGGA-3'
Protein context (NP_005312.1, residues 103-123): GSFKLNKKAA[Ser113=]GEAKPKAKKA